The following is an entry in ClinVar:

ClinVar aggregate classification (germline): Uncertain significance (1 of 4 stars; one submission).

gnomAD v4.1: 1 of 1,564,356 alleles (0.000064%); highest among the groups gnomAD compares: Non-Finnish European, 0.000086%; no homozygotes.

Submission:

GeneDx
Classification: Uncertain significance. Last evaluated: 2023-03-03. Review status: criteria provided, single submitter. Criteria: GeneDx Variant Classification Process June 2021. Collection method: clinical testing. Allele origin: germline. Affected: yes.
Comment: Not observed at significant frequency in large population cohorts (gnomAD); In silico analysis supports that this missense variant has a deleterious effect on protein structure/function; Has not been previously published as pathogenic or benign to our knowledge

NM_031475.3(ESPN):c.665T>A (p.Ile222Asn)

Genes: ESPN (espin; plus strand), LOC129929241 (ATAC-STARR-seq lymphoblastoid silent region 155; plus strand). Cytogenetic location: 1p36.31.
Variant type: single nucleotide variant.
Coding change: c.665T>A on transcript NM_031475.3 (MANE Select); coding-DNA position 665, T replaced by A.
Protein change: p.Ile222Asn; replaces isoleucine 222 with asparagine.
Molecular consequence: missense variant.
Genome position (GRCh38, 1-based): chr1:6,440,430, T>A. VCF-style: chr1-6440430-T-A. GRCh37 (hg19) VCF-style: chr1-6500490-T-A.
Other names: c.665T>A, p.Ile222Asn (NM_001367473.1, NM_001367474.1); short protein forms I222N.
Identifiers: ClinVar variation 2578308 (VCV002578308.1), dbSNP rs1177833987, ClinGen allele CA338089614.